The following is an entry in ClinVar:

NM_000126.4(ETFA):c.300G>T (p.Gln100His)

Gene: ETFA (electron transfer flavoprotein subunit alpha; minus strand). Cytogenetic location: 15q24.2.
Variant type: single nucleotide variant.
Coding change: c.300G>T on transcript NM_000126.4 (MANE Select); coding-DNA position 300, G replaced by T.
Protein change: p.Gln100His; replaces glutamine 100 with histidine.
Molecular consequence: missense variant.
Genome position (GRCh38, 1-based): chr15:76,292,482, C>A on the plus strand (G>T on the coding strand, the complement: ETFA is on the minus strand). VCF-style: chr15-76292482-C-A. GRCh37 (hg19) VCF-style: chr15-76584823-C-A.
Other names: c.153G>T, p.Gln51His (NM_001127716.2); short protein forms Q51H, Q100H.
Identifiers: ClinVar variation 1397913 (VCV001397913.5), dbSNP rs948361766, ClinGen allele CA273699430.

ClinVar aggregate classification (germline): Uncertain significance (1 of 4 stars; one submission).

Conditions:
Multiple acyl-CoA dehydrogenase deficiency (MADD). Also called: Glutaric aciduria, type 2; Glutaric Acidemia type 2; ETHYLMALONIC-ADIPICACIDURIA; GA II; Glutaric acidemia type II; GA 2. Identifiers: Orphanet 26791, MedGen C0268596, MONDO:0009282, OMIM 231680.

Allele frequency attached by ClinVar (database versions not stated): gnomAD exomes below 0.00001; TOPMed 0.00001.
gnomAD v4.1: 3 of 1,613,980 alleles (0.00019%); highest among the groups gnomAD compares: Non-Finnish European, 0.00025%; no homozygotes.

Submission:

Labcorp Genetics (formerly Invitae), Labcorp
Classification: Uncertain significance for Multiple acyl-CoA dehydrogenase deficiency. Last evaluated: 2021-09-01. Review status: criteria provided, single submitter. Criteria: Invitae Variant Classification Sherloc (09022015). Collection method: clinical testing. Allele origin: germline.
Comment: This sequence change replaces glutamine with histidine at codon 100 of the ETFA protein (p.Gln100His). The glutamine residue is highly conserved and there is a small physicochemical difference between glutamine and histidine. This variant is not present in population databases (ExAC no frequency). This variant has not been reported in the literature in individuals affected with ETFA-related conditions. Algorithms developed to predict the effect of missense changes on protein structure and function output the following: SIFT: "Deleterious"; PolyPhen-2: "Benign"; Align-GVGD: "Class C0". The histidine amino acid residue is found in multiple mammalian species, which suggests that this missense change does not adversely affect protein function. In summary, the available evidence is currently insufficient to determine the role of this variant in disease. Therefore, it has been classified as a Variant of Uncertain Significance.